The following is an entry in ClinVar:

ClinVar aggregate classification (germline): Benign (1 of 4 stars; one submission).

Conditions:
BAP1-related tumor predisposition syndrome (TPDS1). Also called: BAP1 tumor predisposition syndrome; Tumor susceptibility linked to germline BAP1 mutations; COMMON Syndrome; TUMOR PREDISPOSITION SYNDROME 1. Identifiers: Orphanet 289539, MedGen C3280492, MONDO:0013692, OMIM 614327.

Submission:

Myriad Genetics, Inc.
Classification: Benign for BAP1-related tumor predisposition syndrome. Last evaluated: 2024-07-12. Review status: criteria provided, single submitter. Criteria: Myriad Autosomal Dominant, Autosomal Recessive and X-Linked Classification Criteria (2023). Collection method: clinical testing. Allele origin: unknown.
Comment: This variant is considered benign. This variant is a silent/synonymous amino acid change and it is not expected to impact splicing.

NM_004656.4(BAP1):c.570C>G (p.Pro190=)

Gene: BAP1 (BRCA1 associated deubiquitinase 1; minus strand). Cytogenetic location: 3p21.1.
Variant type: single nucleotide variant.
Coding change: c.570C>G on transcript NM_004656.4 (MANE Select); coding-DNA position 570, C replaced by G.
Protein change: p.Pro190=; no amino-acid change (proline 190 retained).
Molecular consequence: synonymous variant.
Genome position (GRCh38, 1-based): chr3:52,407,184, G>C on the plus strand (C>G on the coding strand, the complement: BAP1 is on the minus strand). VCF-style: chr3-52407184-G-C. GRCh37 (hg19) VCF-style: chr3-52441200-G-C.
Other names: c.570C>G, p.Pro190= (NM_001410772.1).
Identifiers: ClinVar variation 3379112 (VCV003379112.1).